The following is an entry in ClinVar:

ClinVar aggregate classification (germline): Uncertain significance (1 of 4 stars; one submission).

Conditions:
Nicolaides-Baraitser syndrome (NCBRS). Also called: Intellectual disability-sparse hair-brachydactyly syndrome; SMARCA2-Related Nicolaides-Baraitser Syndrome. Identifiers: Orphanet 3051, MedGen C1303073, MONDO:0011053, OMIM 601358.

Submission:

Institute of Human Genetics, University of Leipzig Medical Center
Classification: Uncertain significance for Nicolaides-Baraitser syndrome. Last evaluated: 2022-04-11. Review status: criteria provided, single submitter. Criteria: ACMG Guidelines, 2015. Collection method: clinical testing. Allele origin: unknown. Affected: yes.
Comment: _x000D_ Criteria applied: PM2_SUP, PP2, PP3

NM_003070.5(SMARCA2):c.3505G>T (p.Val1169Phe)

Gene: SMARCA2 (SWI/SNF related BAF chromatin remodeling complex subunit ATPase 2; plus strand). Cytogenetic location: 9p24.3.
Variant type: single nucleotide variant.
Coding change: c.3505G>T on transcript NM_003070.5 (MANE Select); coding-DNA position 3505, G replaced by T.
Protein change: p.Val1169Phe; replaces valine 1169 with phenylalanine.
Molecular consequence: missense variant.
Genome position (GRCh38, 1-based): chr9:2,115,870, G>T. VCF-style: chr9-2115870-G-T. GRCh37 (hg19) VCF-style: chr9-2115870-G-T.
Other names: c.3505G>T, p.Val1169Phe (NM_001289396.2, NM_139045.4); c.3331G>T, p.Val1111Phe (NM_001289397.2); short protein forms V1111F, V1169F.
Identifiers: ClinVar variation 1679168 (VCV001679168.1), dbSNP rs2130599641, ClinGen allele CA372788734.